The following is an entry in ClinVar:

NM_001010867.4(IBA57):c.82A>G (p.Arg28Gly)

Gene: IBA57 (iron-sulfur cluster assembly factor IBA57; plus strand). Cytogenetic location: 1q42.13.
Variant type: single nucleotide variant.
Coding change: c.82A>G on transcript NM_001010867.4 (MANE Select); coding-DNA position 82, A replaced by G.
Protein change: p.Arg28Gly; replaces arginine 28 with glycine.
Molecular consequence: missense variant.
Genome position (GRCh38, 1-based): chr1:228,165,898, A>G. VCF-style: chr1-228165898-A-G. GRCh37 (hg19) VCF-style: chr1-228353599-A-G.
Other names: c.82A>G (NM_001010867.2); short protein forms R28G.
Identifiers: ClinVar variation 1946523 (VCV001946523.7), dbSNP rs1263563131, ClinGen allele CA345104561.
Genomic context (GRCh38, chr1:228,165,898, plus strand): 5'-CGAGGCGCCACTCCGGGGCGCGGCGGCCCGGTCTGGCGCTGGCGGCTGCGCGCGGCCCCA[A>G]GGTGCCGCCTGGCCCACAGCTCCTGCAGTCCTGGTGGCGACCCAACGGCCGGAGCGGCCT-3'
Protein context (NP_001010867.1, residues 18-38): VWRWRLRAAP[Arg28Gly]CRLAHSSCSP

ClinVar aggregate classification (germline): Uncertain significance. Review status: criteria provided, multiple submitters, no conflicts (2 of 4 stars). 2 submissions from 2 submitters: Uncertain significance (2). Last evaluated 2025-08-11.

Conditions:
Inborn genetic diseases. Identifiers: MedGen C0950123, MeSH D030342.
Hereditary spastic paraplegia 74. Also called: Spastic paraplegia 74, autosomal recessive. Identifiers: Orphanet 468661, MedGen C5568837, MONDO:0014644, OMIM 616451.
Multiple mitochondrial dysfunctions syndrome 3 (MMDS3). Identifiers: Orphanet 363424, MedGen C3809165, MONDO:0014132, OMIM 615330.

Allele frequency attached by ClinVar (database versions not stated): TOPMed below 0.00001; gnomAD exomes 0.00003.
gnomAD v4.1: 38 of 1,408,938 alleles (0.0027%); highest among the groups gnomAD compares: Non-Finnish European, 0.0031%; no homozygotes.

Submissions (2):

Labcorp Genetics (formerly Invitae), Labcorp
Classification: Uncertain significance for Multiple mitochondrial dysfunctions syndrome 3; Hereditary spastic paraplegia 74. Last evaluated: 2025-08-11. Review status: criteria provided, single submitter. Criteria: Invitae Variant Classification Sherloc (09022015). Collection method: clinical testing. Allele origin: germline.
Comment: This sequence change replaces arginine, which is basic and polar, with glycine, which is neutral and non-polar, at codon 28 of the IBA57 protein (p.Arg28Gly). This variant is not present in population databases (gnomAD no frequency). This variant has not been reported in the literature in individuals affected with IBA57-related conditions. ClinVar contains an entry for this variant (Variation ID: 1946523). An algorithm developed to predict the effect of missense changes on protein structure and function (PolyPhen-2) suggests that this variant is likely to be tolerated. In summary, the available evidence is currently insufficient to determine the role of this variant in disease. Therefore, it has been classified as a Variant of Uncertain Significance.

Ambry Genetics
Classification: Uncertain significance for Inborn genetic diseases. Last evaluated: 2023-03-21. Review status: criteria provided, single submitter. Criteria: Ambry Variant Classification Scheme 2023. Collection method: clinical testing. Allele origin: germline.